The following is an entry in ClinVar:

ClinVar aggregate classification (germline): Uncertain significance. Review status: criteria provided, multiple submitters, no conflicts (2 of 4 stars). 3 submissions from 3 submitters: Uncertain significance (3). Last evaluated 2021-11-01.

Conditions:
Inborn genetic diseases. Identifiers: MedGen C0950123, MeSH D030342.
Charcot-Marie-Tooth disease type 4. Also called: Charcot-Marie-Tooth disease, type IV; Charcot-Marie-Tooth, Type 4. Identifiers: Orphanet 64749, MedGen C4082197, MONDO:0018995.

Allele frequency attached by ClinVar (database versions not stated): gnomAD exomes 0.00001.
gnomAD v4.1: 17 of 1,614,006 alleles (0.0011%); highest among the groups gnomAD compares: Non-Finnish European, 0.0014%; no homozygotes.

Submissions (3):

CeGaT Center for Human Genetics Tuebingen
Classification: Uncertain significance. Last evaluated: 2021-11-01. Review status: criteria provided, single submitter. Criteria: CeGaT Center For Human Genetics Tuebingen Variant Classification Criteria Version 2. Collection method: clinical testing. Allele origin: germline. Affected: yes. Observed: 1 variant allele.

Labcorp Genetics (formerly Invitae), Labcorp
Classification: Uncertain significance for Charcot-Marie-Tooth disease type 4. Last evaluated: 2021-10-20. Review status: criteria provided, single submitter. Criteria: Invitae Variant Classification Sherloc (09022015). Collection method: clinical testing. Allele origin: germline.
Comment: This sequence change replaces leucine with arginine at codon 172 of the SH3TC2 protein (p.Leu172Arg). The leucine residue is highly conserved and there is a moderate physicochemical difference between leucine and arginine. This variant is not present in population databases (ExAC no frequency). This variant has not been reported in the literature in individuals affected with SH3TC2-related conditions. Algorithms developed to predict the effect of missense changes on protein structure and function (SIFT, PolyPhen-2, Align-GVGD) all suggest that this variant is likely to be disruptive. In summary, the available evidence is currently insufficient to determine the role of this variant in disease. Therefore, it has been classified as a Variant of Uncertain Significance.

Ambry Genetics
Classification: Uncertain significance for Inborn genetic diseases. Last evaluated: 2021-01-13. Review status: criteria provided, single submitter. Criteria: Ambry Variant Classification Scheme 2023. Collection method: clinical testing. Allele origin: germline.
Comment: The p.L172R variant (also known as c.515T>G), located in coding exon 5 of the SH3TC2 gene, results from a T to G substitution at nucleotide position 515. The leucine at codon 172 is replaced by arginine, an amino acid with dissimilar properties. This amino acid position is highly conserved in available vertebrate species. In addition, this alteration is predicted to be deleterious by in silico analysis. Since supporting evidence is limited at this time, the clinical significance of this alteration remains unclear.

NM_024577.4(SH3TC2):c.515T>G (p.Leu172Arg)

Gene: SH3TC2 (SH3 domain and tetratricopeptide repeats 2; minus strand). Cytogenetic location: 5q32.
Variant type: single nucleotide variant.
Coding change: c.515T>G on transcript NM_024577.4 (MANE Select); coding-DNA position 515, T replaced by G.
Protein change: p.Leu172Arg; replaces leucine 172 with arginine.
Molecular consequence: missense variant.
Genome position (GRCh38, 1-based): chr5:149,042,708, A>C on the plus strand (T>G on the coding strand, the complement: SH3TC2 is on the minus strand). VCF-style: chr5-149042708-A-C. GRCh37 (hg19) VCF-style: chr5-148422271-A-C.
Other names: short protein forms L172R.
Identifiers: ClinVar variation 935081 (VCV000935081.41), dbSNP rs1408319932, ClinGen allele CA361675402.